The following is an entry in ClinVar:

NM_198578.4(LRRK2):c.4972A>G (p.Ile1658Val)

Gene: LRRK2 (leucine rich repeat kinase 2; plus strand). Cytogenetic location: 12q12.
Variant type: single nucleotide variant.
Coding change: c.4972A>G on transcript NM_198578.4 (MANE Select); coding-DNA position 4972, A replaced by G.
Protein change: p.Ile1658Val; replaces isoleucine 1658 with valine.
Molecular consequence: missense variant.
Genome position (GRCh38, 1-based): chr12:40,320,132, A>G. VCF-style: chr12-40320132-A-G. GRCh37 (hg19) VCF-style: chr12-40713934-A-G.
Other names: short protein forms I1658V.
Identifiers: ClinVar variation 3229677 (VCV003229677.1), dbSNP rs2499873897, ClinGen allele CA384419703.
Genomic context (GRCh38, chr12:40,320,132, plus strand): 5'-AAAAGGAAATTTCCAAAGAACTACATGTCACAGTATTTTAAGCTCCTAGAAAAATTCCAG[A>G]TTGCTTTGCCAATAGGAGAAGAATATTTGCTGGTTCCAAGCAGGTAAAGAAAACCTTAAA-3'
Protein context (NP_940980.4, residues 1648-1668): QYFKLLEKFQ[Ile1658Val]ALPIGEEYLL

ClinVar aggregate classification (germline): Uncertain significance (1 of 4 stars; one submission).

Conditions:
Inborn genetic diseases. Identifiers: MedGen C0950123, MeSH D030342.

Allele frequency attached by ClinVar (database versions not stated): gnomAD exomes below 0.00001.
gnomAD v4.1: 1 of 1,611,834 alleles (0.000062%); highest among the groups gnomAD compares: Non-Finnish European, 0.000085%; no homozygotes.

Submission:

Ambry Genetics
Classification: Uncertain significance for Inborn genetic diseases. Last evaluated: 2023-12-17. Review status: criteria provided, single submitter. Criteria: Ambry Variant Classification Scheme 2023. Collection method: clinical testing. Allele origin: germline.
Comment: The p.I1658V variant (also known as c.4972A>G), located in coding exon 34 of the LRRK2 gene, results from an A to G substitution at nucleotide position 4972. The isoleucine at codon 1658 is replaced by valine, an amino acid with highly similar properties. This amino acid position is conserved. In addition, the in silico prediction for this alteration is inconclusive. Since supporting evidence is limited at this time, the clinical significance of this alteration remains unclear.